The following is an entry in ClinVar:

ClinVar aggregate classification (germline): Likely benign. Review status: criteria provided, multiple submitters, no conflicts (2 of 4 stars). 2 submissions from 2 submitters: Likely benign (2). Last evaluated 2025-12-23.

Allele frequency attached by ClinVar (database versions not stated): gnomAD 0.00001; TOPMed 0.00001; ExAC 0.00002; gnomAD exomes 0.00002.
gnomAD v4.1: 29 of 1,614,006 alleles (0.0018%); highest among the groups gnomAD compares: Non-Finnish European, 0.0025%; no homozygotes.

Submissions (2):

Labcorp Genetics (formerly Invitae), Labcorp
Classification: Likely benign. Last evaluated: 2025-12-23. Review status: criteria provided, single submitter. Criteria: Invitae Variant Classification Sherloc (09022015). Collection method: clinical testing. Allele origin: germline.

CeGaT Center for Human Genetics Tuebingen
Classification: Likely benign. Last evaluated: 2023-12-01. Review status: criteria provided, single submitter. Criteria: CeGaT Center For Human Genetics Tuebingen Variant Classification Criteria Version 2. Collection method: clinical testing. Allele origin: germline. Affected: yes. Observed: 1 variant allele.
Comment: KMT2E: BP4, BP7

NM_182931.3(KMT2E):c.3585T>C (p.Asn1195=)

Gene: KMT2E (lysine methyltransferase 2E (inactive); plus strand). Cytogenetic location: 7q22.3.
Variant type: single nucleotide variant.
Coding change: c.3585T>C on transcript NM_182931.3 (MANE Select); coding-DNA position 3585, T replaced by C.
Protein change: p.Asn1195=; no amino-acid change (asparagine 1195 retained).
Molecular consequence: synonymous variant.
Genome position (GRCh38, 1-based): chr7:105,109,058, T>C. VCF-style: chr7-105109058-T-C. GRCh37 (hg19) VCF-style: chr7-104749505-T-C.
Other names: c.3585T>C, p.Asn1195= (NM_001410908.1, NM_018682.4).
Identifiers: ClinVar variation 2870988 (VCV002870988.25), dbSNP rs781302931, ClinGen allele CA4424519.